The following is an entry in ClinVar:

NM_001127898.4(CLCN5):c.673G>A (p.Val225Ile)

Gene: CLCN5 (Cl-/H+ antiporter 5; plus strand). Cytogenetic location: Xp11.23.
Variant type: single nucleotide variant.
Coding change: c.673G>A on transcript NM_001127898.4 (MANE Select); coding-DNA position 673, G replaced by A.
Protein change: p.Val225Ile; replaces valine 225 with isoleucine.
Molecular consequence: missense variant.
Genome position (GRCh38, 1-based): chrX:50,080,663, G>A. VCF-style: chrX-50080663-G-A. GRCh37 (hg19) VCF-style: chrX-49845320-G-A.
Other names: c.463G>A (NM_000084.2, NM_000084.4); c.463G>A, p.Val155Ile (NM_000084.5); c.673G>A, p.Val225Ile (NM_001127899.4); c.523G>A, p.Val175Ile (NM_001282163.2); short protein forms V175I, V155I, V225I.
Identifiers: ClinVar variation 3598371 (VCV003598371.4).

ClinVar aggregate classification (germline): Conflicting classifications of pathogenicity. Review status: criteria provided, conflicting classifications (1 of 4 stars). 4 submissions from 4 submitters: Uncertain significance (2); Likely benign (2). Last evaluated 2026-08-31.

Conditions:
CLCN5-related disorder. Also called: CLCN5-related condition.
Inborn genetic diseases. Identifiers: MedGen C0950123, MeSH D030342.
Hypophosphatemic rickets, X-linked recessive (XLHRR). Identifiers: Orphanet 1652, Orphanet 93622, MedGen C1845168, MONDO:0010358, OMIM 300554.
X-linked recessive nephrolithiasis with renal failure (XRN). Also called: NEPHROLITHIASIS 1; NEPHROLITHIASIS, X-LINKED RECESSIVE, TYPE 1; UROLITHIASIS, X-LINKED RECESSIVE, TYPE 1. Identifiers: Orphanet 1652, Orphanet 93622, MedGen C0403720, MONDO:0010687, OMIM 310468.
Dent disease type 1 (DENT1). Also called: NEPHROLITHIASIS 2; NEPHROLITHIASIS, HYPERCALCIURIC, X-LINKED. Identifiers: Orphanet 1652, Orphanet 93622, MedGen C1848336, MONDO:0010225, OMIM 300009.
Proteinuria, low molecular weight, with hypercalciuria and nephrocalcinosis. Identifiers: Orphanet 1652, Orphanet 93622, MedGen C1839874, MONDO:0010644, OMIM 308990.

gnomAD v4.1: 63 of 1,200,053 alleles (0.0052%); highest among the groups gnomAD compares: Middle Eastern, 0.023%; no homozygotes.

Submissions (4):

PreventionGenetics, part of Exact Sciences
Classification: Likely benign for CLCN5-related condition. Last evaluated: 2026-08-31. Review status: criteria provided, single submitter. Criteria: ACMG Guidelines, 2015. Collection method: clinical testing. Allele origin: germline.
Comment: This variant is classified as likely benign based on ACMG/AMP sequence variant interpretation guidelines (Richards et al. 2015 PMID: 25741868, with internal and published modifications).

Ambry Genetics
Classification: Likely benign for Inborn genetic diseases. Last evaluated: 2025-03-15. Review status: criteria provided, single submitter. Criteria: Ambry Variant Classification Scheme 2023. Collection method: clinical testing. Allele origin: germline.

Labcorp Genetics (formerly Invitae), Labcorp
Classification: Uncertain significance. Last evaluated: 2025-01-08. Review status: criteria provided, single submitter. Criteria: Invitae Variant Classification Sherloc (09022015). Collection method: clinical testing. Allele origin: germline.
Comment: This sequence change replaces valine, which is neutral and non-polar, with isoleucine, which is neutral and non-polar, at codon 155 of the CLCN5 protein (p.Val155Ile). This variant is present in population databases (rs200390605, gnomAD 0.007%). This variant has not been reported in the literature in individuals affected with CLCN5-related conditions. Invitae Evidence Modeling of protein sequence and biophysical properties (such as structural, functional, and spatial information, amino acid conservation, physicochemical variation, residue mobility, and thermodynamic stability) has been performed for this missense variant. However, the output from this modeling did not meet the statistical confidence thresholds required to predict the impact of this variant on CLCN5 protein function. In summary, the available evidence is currently insufficient to determine the role of this variant in disease. Therefore, it has been classified as a Variant of Uncertain Significance.

Fulgent Genetics
Classification: Uncertain significance for Dent disease type 1; Hypophosphatemic rickets, X-linked recessive; Proteinuria, low molecular weight, with hypercalciuria and nephrocalcinosis; X-linked recessive nephrolithiasis with renal failure. Last evaluated: 2024-04-09. Review status: criteria provided, single submitter. Criteria: ACMG Guidelines, 2015. Collection method: clinical testing. Allele origin: germline.